The following is an entry in ClinVar:

NM_000081.4(LYST):c.1073G>C (p.Arg358Thr)

Gene: LYST (lysosomal trafficking regulator; minus strand). Cytogenetic location: 1q42.3.
Variant type: single nucleotide variant.
Coding change: c.1073G>C on transcript NM_000081.4 (MANE Select); coding-DNA position 1073, G replaced by C.
Protein change: p.Arg358Thr; replaces arginine 358 with threonine.
Molecular consequence: missense variant.
Genome position (GRCh38, 1-based): chr1:235,809,745, C>G on the plus strand (G>C on the coding strand, the complement: LYST is on the minus strand). VCF-style: chr1-235809745-C-G. GRCh37 (hg19) VCF-style: chr1-235973045-C-G.
Other names: c.1073G>C, p.Arg358Thr (NM_001301365.1); short protein forms R358T.
Identifiers: ClinVar variation 2729254 (VCV002729254.3), dbSNP rs2527120862, ClinGen allele CA344963221.

ClinVar aggregate classification (germline): Uncertain significance (1 of 4 stars; one submission).

Conditions:
Chédiak-Higashi syndrome (CHS). Also called: Chediak-Higashi Syndrome. Identifiers: Orphanet 167, MedGen C0007965, MONDO:0008963, OMIM 214500.

Submission:

Labcorp Genetics (formerly Invitae), Labcorp
Classification: Uncertain significance for Chédiak-Higashi syndrome. Last evaluated: 2024-04-25. Review status: criteria provided, single submitter. Criteria: Invitae Variant Classification Sherloc (09022015). Collection method: clinical testing. Allele origin: germline.
Comment: This sequence change replaces arginine, which is basic and polar, with threonine, which is neutral and polar, at codon 358 of the LYST protein (p.Arg358Thr). This variant is not present in population databases (gnomAD no frequency). This variant has not been reported in the literature in individuals affected with LYST-related conditions. Advanced modeling of protein sequence and biophysical properties (such as structural, functional, and spatial information, amino acid conservation, physicochemical variation, residue mobility, and thermodynamic stability) performed at Invitae indicates that this missense variant is not expected to disrupt LYST protein function with a negative predictive value of 80%. In summary, the available evidence is currently insufficient to determine the role of this variant in disease. Therefore, it has been classified as a Variant of Uncertain Significance.